The following is an entry in ClinVar:

NM_001042492.3(NF1):c.343C>G (p.Pro115Ala)

Gene: NF1 (neurofibromin 1; plus strand). Cytogenetic location: 17q11.2.
Variant type: single nucleotide variant.
Coding change: c.343C>G on transcript NM_001042492.3 (MANE Select); coding-DNA position 343, C replaced by G.
Protein change: p.Pro115Ala; replaces proline 115 with alanine.
Molecular consequence: missense variant.
Genome position (GRCh38, 1-based): chr17:31,163,240, C>G. VCF-style: chr17-31163240-C-G. GRCh37 (hg19) VCF-style: chr17-29490258-C-G.
Other names: c.343C>G, p.Pro115Ala (NM_000267.4, NM_001128147.3); short protein forms P115A.
Identifiers: ClinVar variation 2858156 (VCV002858156.3), dbSNP rs2143671397, ClinGen allele CA398981745.
Genomic context (GRCh38, chr17:31,163,240, plus strand): 5'-TTTTAGCAACCAAAGGACACAATGAGATTAGATGAAACGATGCTGGTCAAACAGTTGCTG[C>G]CAGAAATCTGCCATTTTCTTCACACCTGTCGTGAAGGAAACCAGCATGCAGCTGAACTTC-3'
Protein context (NP_001035957.1, residues 105-125): DETMLVKQLL[Pro115Ala]EICHFLHTCR

ClinVar aggregate classification (germline): Uncertain significance (1 of 4 stars; one submission).

Conditions:
Neurofibromatosis, type 1 (NF1). Also called: VON RECKLINGHAUSEN DISEASE; Neurofibromatosis, type I; Peripheral type neurofibromatosis; NEUROFIBROMATOSIS, TYPE I, SOMATIC. Identifiers: Orphanet 636, MedGen C0027831, MONDO:0018975, OMIM 162200. Disease mechanism: loss of function.

Submission:

Labcorp Genetics (formerly Invitae), Labcorp
Classification: Uncertain significance for Neurofibromatosis, type 1. Last evaluated: 2023-04-27. Review status: criteria provided, single submitter. Criteria: Invitae Variant Classification Sherloc (09022015). Collection method: clinical testing. Allele origin: germline.
Comment: In summary, the available evidence is currently insufficient to determine the role of this variant in disease. Therefore, it has been classified as a Variant of Uncertain Significance. Advanced modeling of protein sequence and biophysical properties (such as structural, functional, and spatial information, amino acid conservation, physicochemical variation, residue mobility, and thermodynamic stability) performed at Invitae indicates that this missense variant is expected to disrupt NF1 protein function. This variant has not been reported in the literature in individuals affected with NF1-related conditions. This variant is not present in population databases (gnomAD no frequency). This sequence change replaces proline, which is neutral and non-polar, with alanine, which is neutral and non-polar, at codon 115 of the NF1 protein (p.Pro115Ala).